The following is an entry in ClinVar:

NM_001378414.1(HDAC4):c.200G>A (p.Arg67Gln)

Gene: HDAC4 (histone deacetylase 4; minus strand). Cytogenetic location: 2q37.3.
Variant type: single nucleotide variant.
Coding change: c.200G>A on transcript NM_001378414.1 (MANE Select); coding-DNA position 200, G replaced by A.
Protein change: p.Arg67Gln; replaces arginine 67 with glutamine.
Molecular consequence: missense variant.
Genome position (GRCh38, 1-based): chr2:239,189,972, C>T on the plus strand (G>A on the coding strand, the complement: HDAC4 is on the minus strand). VCF-style: chr2-239189972-C-T. GRCh37 (hg19) VCF-style: chr2-240111668-C-T.
Other names: c.200G>A (NM_006037.3); c.200G>A, p.Arg67Gln (NM_001378415.1, NM_001378416.1, NM_001378417.1 and 1 more transcripts); short protein forms R67Q.
Identifiers: ClinVar variation 2038862 (VCV002038862.5), dbSNP rs137972289, ClinGen allele CA2200329.

ClinVar aggregate classification (germline): Conflicting classifications of pathogenicity. Review status: criteria provided, conflicting classifications (1 of 4 stars). 2 submissions from 2 submitters: Uncertain significance (1); Likely benign (1). Last evaluated 2026-09-01.

Conditions:
Chromosome 2q37 deletion syndrome (BDMR). Also called: ALBRIGHT HEREDITARY OSTEODYSTROPHY-LIKE SYNDROME; Chromosome 2, monosomy 2q37; Monosomy 2q37; Deletion 2q37; 2q37 microdeletion syndrome. Identifiers: Orphanet 1001, MedGen C2931817, MONDO:0010886, OMIM 600430.

Allele frequency attached by ClinVar (database versions not stated): ExAC 0.00005; gnomAD 0.00021; TOPMed 0.00031; ESP Exome Variant Server 0.00046.
gnomAD v4.1: 66 of 1,608,100 alleles (0.0041%); highest among the groups gnomAD compares: African/African-American, 0.048%; no homozygotes.

Submissions (2):

CeGaT Center for Human Genetics Tuebingen
Classification: Likely benign. Last evaluated: 2026-09-01. Review status: criteria provided, single submitter. Criteria: CeGaT Center For Human Genetics Tuebingen Variant Classification Criteria Version 2. Collection method: clinical testing. Allele origin: germline. Affected: yes. Observed: 1 variant allele.
Comment: HDAC4: BS1

Labcorp Genetics (formerly Invitae), Labcorp
Classification: Uncertain significance. Last evaluated: 2025-09-30. Review status: criteria provided, single submitter. Criteria: Invitae Variant Classification Sherloc (09022015). Collection method: clinical testing. Allele origin: germline.
Comment: This sequence change replaces arginine, which is basic and polar, with glutamine, which is neutral and polar, at codon 67 of the HDAC4 protein (p.Arg67Gln). This variant is present in population databases (rs137972289, gnomAD 0.03%). This variant has not been reported in the literature in individuals affected with HDAC4-related conditions. ClinVar contains an entry for this variant (Variation ID: 2038862). An algorithm developed to predict the effect of missense changes on protein structure and function (PolyPhen-2) suggests that this variant is likely to be tolerated. In summary, the available evidence is currently insufficient to determine the role of this variant in disease. Therefore, it has been classified as a Variant of Uncertain Significance.